The following is an entry in ClinVar:

NM_198578.4(LRRK2):c.3338T>C (p.Ile1113Thr)

Gene: LRRK2 (leucine rich repeat kinase 2; plus strand). Cytogenetic location: 12q12.
Variant type: single nucleotide variant.
Coding change: c.3338T>C on transcript NM_198578.4 (MANE Select); coding-DNA position 3338, T replaced by C.
Protein change: p.Ile1113Thr; replaces isoleucine 1113 with threonine.
Molecular consequence: missense variant.
Genome position (GRCh38, 1-based): chr12:40,298,484, T>C. VCF-style: chr12-40298484-T-C. GRCh37 (hg19) VCF-style: chr12-40692286-T-C.
Other names: short protein forms I1113T.
Identifiers: ClinVar variation 3291865 (VCV003291865.1).

ClinVar aggregate classification (germline): Uncertain significance (1 of 4 stars; one submission).

Conditions:
Inborn genetic diseases. Identifiers: MedGen C0950123, MeSH D030342.

Submission:

Ambry Genetics
Classification: Uncertain significance for Inborn genetic diseases. Last evaluated: 2024-06-06. Review status: criteria provided, single submitter. Criteria: Ambry Variant Classification Scheme 2023. Collection method: clinical testing. Allele origin: germline.
Comment: The p.I1113T variant (also known as c.3338T>C), located in coding exon 24 of the LRRK2 gene, results from a T to C substitution at nucleotide position 3338. The isoleucine at codon 1113 is replaced by threonine, an amino acid with similar properties. This amino acid position is conserved. In addition, this alteration is predicted to be tolerated by in silico analysis. Based on the available evidence, the clinical significance of this variant remains unclear.